The following is an entry in ClinVar:

NM_000451.4(SHOX):c.545-10T>C

Gene: SHOX (SHOX homeobox; plus strand). Cytogenetic location: Xp22.33.
Variant type: single nucleotide variant.
Coding change: c.545-10T>C on transcript NM_000451.4 (MANE Select); 10 bases into the intron before coding-DNA position 545, T replaced by C.
Molecular consequence: intron variant.
Genome position (GRCh38, 1-based): chrX:640,989, T>C. VCF-style: chrX-640989-T-C. GRCh37 (hg19) VCF-style: chrX-601724-T-C.
Other names: c.545-10T>C (NM_006883.2).
Identifiers: ClinVar variation 805451 (VCV000805451.3), dbSNP rs370327147, ClinGen allele CA10330055.

ClinVar aggregate classification (germline): Likely benign. Review status: criteria provided, multiple submitters, no conflicts (2 of 4 stars). 2 submissions from 2 submitters: Likely benign (2). Last evaluated 2025-03-05.

Allele frequency attached by ClinVar (database versions not stated): ESP Exome Variant Server 0.00015; gnomAD 0.00009 and 0.00008; ExAC 0.00007; TOPMed 0.00009; gnomAD exomes 0.00008.
gnomAD v4.1: 105 of 1,613,608 alleles (0.0065%); highest among the groups gnomAD compares: Non-Finnish European, 0.0072%; no homozygotes.

Submissions (2):

Women's Health and Genetics/Laboratory Corporation of America, LabCorp
Classification: Likely benign. Last evaluated: 2025-03-05. Review status: criteria provided, single submitter. Criteria: LabCorp Variant Classification Summary - May 2015. Collection method: clinical testing. Allele origin: germline.
Comment: Variant summary: SHOX c.545-10T>C alters a non-conserved nucleotide located at a position not widely known to affect splicing. Consensus agreement among computation tools predict no significant impact on normal splicing. However, these predictions have yet to be confirmed by functional studies. The variant allele was found at a frequency of 6.5e-05 in 1613608 control chromosomes (gnomAD). This frequency is not significantly higher than estimated for a pathogenic variant in SHOX causing Short Stature (6.5e-05 vs 0.0005), allowing no conclusion about variant significance c.545-10T>C has been reported in the literature in one family affected with short stature as well as in controls (Capkova_2020). This report however, does not provide unequivocal conclusions about association of the variant with Short Stature. To our knowledge, no experimental evidence demonstrating an impact on protein function has been reported. The following publication has been ascertained in the context of this evaluation (PMID: 33240610). ClinVar contains an entry for this variant (Variation ID: 805451). Based on the evidence outlined above, the variant was classified as likely benign.

Athena Diagnostics
Classification: Likely benign. Last evaluated: 2019-03-11. Review status: criteria provided, single submitter. Criteria: Athena Diagnostics Criteria. Collection method: clinical testing. Allele origin: germline.

Literature cited by the submitters: PubMed 33240610 (cited by Women's Health and Genetics/Laboratory Corporation of America, LabCorp).